The following is an entry in ClinVar:

NM_003978.5(PSTPIP1):c.758G>A (p.Arg253Gln)

Gene: PSTPIP1 (proline-serine-threonine phosphatase interacting protein 1; plus strand). Cytogenetic location: 15q24.3.
Variant type: single nucleotide variant.
Coding change: c.758G>A on transcript NM_003978.5 (MANE Select); coding-DNA position 758, G replaced by A.
Protein change: p.Arg253Gln; replaces arginine 253 with glutamine.
Molecular consequence: missense variant.
Genome position (GRCh38, 1-based): chr15:77,032,314, G>A. VCF-style: chr15-77032314-G-A. GRCh37 (hg19) VCF-style: chr15-77324655-G-A.
Other names: c.758G>A, p.Arg253Gln (NM_001321135.2); c.731G>A, p.Arg244Gln (NM_001321136.2); c.953G>A, p.Arg318Gln (NM_001321137.1); short protein forms R253Q, R318Q, R244Q.
Identifiers: ClinVar variation 1519498 (VCV001519498.8), dbSNP rs775811275, ClinGen allele CA7675975.

ClinVar aggregate classification (germline): Uncertain significance (1 of 4 stars; one submission).

Conditions:
Pyogenic arthritis-pyoderma gangrenosum-acne syndrome (PAPA). Also called: FAMILIAL RECURRENT ARTHRITIS; PAPA SYNDROME. Identifiers: Orphanet 69126, MedGen C1858361, MONDO:0011462, OMIM 604416.

Allele frequency attached by ClinVar (database versions not stated): gnomAD exomes below 0.00001; ExAC 0.00001; gnomAD 0.00002; TOPMed 0.00002.
gnomAD v4.1: 9 of 1,612,450 alleles (0.00056%); highest among the groups gnomAD compares: African/African-American, 0.0013%; no homozygotes.

Submission:

Labcorp Genetics (formerly Invitae), Labcorp
Classification: Uncertain significance for Pyogenic arthritis-pyoderma gangrenosum-acne syndrome. Last evaluated: 2023-04-07. Review status: criteria provided, single submitter. Criteria: Invitae Variant Classification Sherloc (09022015). Collection method: clinical testing. Allele origin: germline.
Comment: This variant is present in population databases (rs775811275, gnomAD 0.007%). This sequence change replaces arginine, which is basic and polar, with glutamine, which is neutral and polar, at codon 253 of the PSTPIP1 protein (p.Arg253Gln). Advanced modeling of protein sequence and biophysical properties (such as structural, functional, and spatial information, amino acid conservation, physicochemical variation, residue mobility, and thermodynamic stability) performed at Invitae indicates that this missense variant is expected to disrupt PSTPIP1 protein function. In summary, the available evidence is currently insufficient to determine the role of this variant in disease. Therefore, it has been classified as a Variant of Uncertain Significance. ClinVar contains an entry for this variant (Variation ID: 1519498). This variant has not been reported in the literature in individuals affected with PSTPIP1-related conditions.